The following is an entry in ClinVar:

NM_015340.4(LARS2):c.764C>T (p.Ala255Val)

Gene: LARS2 (leucyl-tRNA synthetase 2, mitochondrial; plus strand). Cytogenetic location: 3p21.31.
Variant type: single nucleotide variant.
Coding change: c.764C>T on transcript NM_015340.4 (MANE Select); coding-DNA position 764, C replaced by T.
Protein change: p.Ala255Val; replaces alanine 255 with valine.
Molecular consequence: missense variant.
Genome position (GRCh38, 1-based): chr3:45,474,256, C>T. VCF-style: chr3-45474256-C-T. GRCh37 (hg19) VCF-style: chr3-45515748-C-T.
Other names: c.764C>T, p.Ala255Val (NM_001368263.1); short protein forms A255V.
Identifiers: ClinVar variation 1916104 (VCV001916104.7), dbSNP rs752688322, ClinGen allele CA2349413.

ClinVar aggregate classification (germline): Conflicting classifications of pathogenicity. Review status: criteria provided, conflicting classifications (1 of 4 stars). 3 submissions from 3 submitters: Likely pathogenic (1); Uncertain significance (2). Last evaluated 2025-01-09.

Conditions:
Perrault syndrome 4 (PRLTS4). Identifiers: Orphanet 2855, MedGen C3809105, MONDO:0014126, OMIM 615300.

Allele frequency attached by ClinVar (database versions not stated): ExAC 0.00002; gnomAD exomes 0.00002.
gnomAD v4.1: 22 of 1,608,464 alleles (0.0014%); highest among the groups gnomAD compares: Non-Finnish European, 0.0017%; no homozygotes.

Submissions (3):

Institute of Rare Diseases, West China Hospital, Sichuan University
Classification: Likely pathogenic for Perrault syndrome 4. Last evaluated: 2025-01-09. Review status: criteria provided, single submitter. Criteria: ClinGen HL ACMG Specifications v1. Collection method: research. Allele origin: germline. Affected: yes.

Labcorp Genetics (formerly Invitae), Labcorp
Classification: Uncertain significance. Last evaluated: 2024-02-24. Review status: criteria provided, single submitter. Criteria: Invitae Variant Classification Sherloc (09022015). Collection method: clinical testing. Allele origin: germline.
Comment: This sequence change replaces alanine, which is neutral and non-polar, with valine, which is neutral and non-polar, at codon 255 of the LARS2 protein (p.Ala255Val). This variant is present in population databases (rs752688322, gnomAD 0.003%). This variant has not been reported in the literature in individuals affected with LARS2-related conditions. ClinVar contains an entry for this variant (Variation ID: 1916104). Advanced modeling of protein sequence and biophysical properties (such as structural, functional, and spatial information, amino acid conservation, physicochemical variation, residue mobility, and thermodynamic stability) performed at Invitae indicates that this missense variant is expected to disrupt LARS2 protein function with a positive predictive value of 80%. In summary, the available evidence is currently insufficient to determine the role of this variant in disease. Therefore, it has been classified as a Variant of Uncertain Significance.

Blueprint Genetics
Classification: Uncertain significance. Last evaluated: 2022-09-26. Review status: criteria provided, single submitter. Criteria: ACMG Guidelines, 2015. Collection method: clinical testing. Allele origin: germline.